The following is an entry in ClinVar:

ClinVar aggregate classification (germline): Uncertain significance (1 of 4 stars; one submission).

Allele frequency attached by ClinVar (database versions not stated): TOPMed below 0.00001.

Submission:

Ambry Genetics
Classification: Uncertain significance. Last evaluated: 2022-08-03. Review status: criteria provided, single submitter. Criteria: Ambry Variant Classification Scheme 2023. Collection method: clinical testing. Allele origin: germline.
Comment: The p.A2382G variant (also known as c.7145C>G), located in coding exon 25 of the POLQ gene, results from a C to G substitution at nucleotide position 7145. The alanine at codon 2382 is replaced by glycine, an amino acid with similar properties. This amino acid position is conserved. In addition, this alteration is predicted to be deleterious by in silico analysis. Since supporting evidence is limited at this time, the clinical significance of this alteration remains unclear.

NM_199420.4(POLQ):c.7145C>G (p.Ala2382Gly)

Gene: POLQ (DNA polymerase theta; minus strand). Cytogenetic location: 3q13.33.
Variant type: single nucleotide variant.
Coding change: c.7145C>G on transcript NM_199420.4 (MANE Select); coding-DNA position 7145, C replaced by G.
Protein change: p.Ala2382Gly; replaces alanine 2382 with glycine.
Molecular consequence: missense variant.
Genome position (GRCh38, 1-based): chr3:121,460,057, G>C on the plus strand (C>G on the coding strand, the complement: POLQ is on the minus strand). VCF-style: chr3-121460057-G-C. GRCh37 (hg19) VCF-style: chr3-121178904-G-C.
Other names: short protein forms A2382G.
Identifiers: ClinVar variation 1757360 (VCV001757360.2), dbSNP rs2047778315, ClinGen allele CA354106678.